The following is an entry in ClinVar:

ClinVar aggregate classification (germline): Uncertain significance (1 of 4 stars; one submission).

Conditions:
Spastic paraplegia. Identifiers: MedGen C0037772, HP:0001258.

Allele frequency attached by ClinVar (database versions not stated): gnomAD exomes below 0.00001.
gnomAD v4.1: 1 of 1,613,906 alleles (0.000062%); highest among the groups gnomAD compares: Non-Finnish European, 0.000085%; no homozygotes.

Submission:

Labcorp Genetics (formerly Invitae), Labcorp
Classification: Uncertain significance for Spastic paraplegia. Last evaluated: 2022-09-10. Review status: criteria provided, single submitter. Criteria: Invitae Variant Classification Sherloc (09022015). Collection method: clinical testing. Allele origin: germline.
Comment: This sequence change falls in intron 15 of the KIF5A gene. It does not directly change the encoded amino acid sequence of the KIF5A protein. This variant is not present in population databases (gnomAD no frequency). This variant has not been reported in the literature in individuals affected with KIF5A-related conditions. Algorithms developed to predict the effect of sequence changes on RNA splicing suggest that this variant may disrupt the consensus splice site. In summary, the available evidence is currently insufficient to determine the role of this variant in disease. Therefore, it has been classified as a Variant of Uncertain Significance.

NM_004984.4(KIF5A):c.1717-10A>G

Gene: KIF5A (kinesin family member 5A; plus strand). Cytogenetic location: 12q13.3.
Variant type: single nucleotide variant.
Coding change: c.1717-10A>G on transcript NM_004984.4 (MANE Select); 10 bases into the intron before coding-DNA position 1717, A replaced by G.
Molecular consequence: intron variant.
Genome position (GRCh38, 1-based): chr12:57,575,074, A>G. VCF-style: chr12-57575074-A-G. GRCh37 (hg19) VCF-style: chr12-57968857-A-G.
Other names: c.1450-10A>G (NM_001354705.2).
Identifiers: ClinVar variation 2029936 (VCV002029936.4), dbSNP rs2540507616, ClinGen allele CA2580086603.